The following is an entry in ClinVar:

ClinVar aggregate classification (germline): Uncertain significance. Review status: criteria provided, multiple submitters, no conflicts (2 of 4 stars). 2 submissions from 2 submitters: Uncertain significance (2). Last evaluated 2023-11-02.

Conditions:
Long QT syndrome (LQTS). Identifiers: MedGen C0023976, MeSH D008133, MONDO:0002442. Disease mechanism: loss of function. Inheritance: Various modes of inheritance.

Allele frequency attached by ClinVar (database versions not stated): gnomAD exomes below 0.00001.

Submissions (2):

All of Us Research Program, National Institutes of Health
Classification: Uncertain significance for Long QT syndrome. Last evaluated: 2023-11-02. Review status: criteria provided, single submitter. Criteria: ACMG Guidelines, 2015. Collection method: clinical testing. Allele origin: germline. Inheritance: Autosomal dominant inheritance. Observed: 1 variant allele, 1 heterozygote.
Comment: This missense variant replaces aspartic acid with asparagine at codon 383 of the KCNH2 protein. Computational prediction suggests that this variant may have deleterious impact on protein structure and function (internally defined REVEL score threshold >= 0.7, PMID: 27666373). This variant is found within a highly conserved N-terminus region (a.a. 306-403). Rare non-truncating variants in this region have been shown to be significantly overrepresented in individuals with long QT syndrome (PMID: 32893267). To our knowledge, functional studies have not been reported for this variant. This variant has not been reported in individuals affected with KCNH2-related disorders in the literature. This variant has not been identified in the general population by the Genome Aggregation Database (gnomAD). The available evidence is insufficient to determine the role of this variant in disease conclusively. Therefore, this variant is classified as a Variant of Uncertain Significance.

This study involves interpretation of variants in research participants for the purpose of population health screening. Participant phenotype was not available at the time of variant classification. Additional details can be found in publication PMID: 35346344, PMCID: PMC8962531

Labcorp Genetics (formerly Invitae), Labcorp
Classification: Uncertain significance for Long QT syndrome. Last evaluated: 2021-10-27. Review status: criteria provided, single submitter. Criteria: Invitae Variant Classification Sherloc (09022015). Collection method: clinical testing. Allele origin: germline.
Comment: In summary, the available evidence is currently insufficient to determine the role of this variant in disease. Therefore, it has been classified as a Variant of Uncertain Significance. Algorithms developed to predict the effect of missense changes on protein structure and function are either unavailable or do not agree on the potential impact of this missense change (SIFT: "Tolerated"; PolyPhen-2: "Probably Damaging"; Align-GVGD: "Class C0"). This variant has not been reported in the literature in individuals affected with KCNH2-related conditions. This variant is not present in population databases (gnomAD no frequency). This sequence change replaces aspartic acid, a(n) acidic and polar amino acid, with asparagine, a(n) neutral and polar amino acid, at codon 383 of the KCNH2 protein (p.Asp383Asn).

Literature cited by the submitters: PubMed 32893267 (cited by All of Us Research Program, National Institutes of Health).

NM_000238.4(KCNH2):c.1147G>A (p.Asp383Asn)

Gene: KCNH2 (potassium voltage-gated channel subfamily H member 2; minus strand). Cytogenetic location: 7q36.1.
Variant type: single nucleotide variant.
Coding change: c.1147G>A on transcript NM_000238.4 (MANE Select); coding-DNA position 1147, G replaced by A.
Protein change: p.Asp383Asn; replaces aspartic acid 383 with asparagine.
Molecular consequence: missense variant.
Genome position (GRCh38, 1-based): chr7:150,952,835, C>T on the plus strand (G>A on the coding strand, the complement: KCNH2 is on the minus strand). VCF-style: chr7-150952835-C-T. GRCh37 (hg19) VCF-style: chr7-150649923-C-T.
Other names: c.127G>A, p.Asp43Asn (NM_001204798.2, NM_172057.3); c.859G>A, p.Asp287Asn (NM_001406753.1, NM_001406756.1); c.970G>A, p.Asp324Asn (NM_001406755.1); c.847G>A, p.Asp283Asn (NM_001406757.1); c.1147G>A, p.Asp383Asn (NM_172056.3); short protein forms D383N, D43N, D283N, D287N, D324N.
Identifiers: ClinVar variation 1484745 (VCV001484745.8), dbSNP rs2116973266, ClinGen allele CA369860342.